The following is an entry in ClinVar:

ClinVar aggregate classification (germline): Conflicting classifications of pathogenicity. Review status: criteria provided, conflicting classifications (1 of 4 stars). 2 submissions from 2 submitters: Uncertain significance (1); Likely benign (1). Last evaluated 2025-04-26.

Conditions:
RASopathy. Also called: rasopathies; Noonan spectrum disorder. Identifiers: Orphanet 536391, MedGen C5555857, MONDO:0021060.
Fibromatosis, gingival, 1 (GINGF1). Identifiers: Orphanet 2024, MedGen C4551558, MONDO:0007609, OMIM 135300.

Submissions (2):

Labcorp Genetics (formerly Invitae), Labcorp
Classification: Likely benign for RASopathy. Last evaluated: 2025-04-26. Review status: criteria provided, single submitter. Criteria: Invitae Variant Classification Sherloc (09022015). Collection method: clinical testing. Allele origin: germline.

Centre for Mendelian Genomics, University Medical Centre Ljubljana
Classification: Uncertain significance for Fibromatosis, gingival, 1. Last evaluated: 2020-04-02. Review status: criteria provided, single submitter. Criteria: ACMG Guidelines, 2015. Collection method: clinical testing. Allele origin: unknown. Affected: yes.
Comment: This variant was classified as: Uncertain significance. The available evidence on this variant's pathogenicity is insufficient or conflicting. The following ACMG criteria were applied in classifying this variant: PM2,BS2.

NM_005633.4(SOS1):c.511-6_511-5del

Gene: SOS1 (SOS Ras/Rac guanine nucleotide exchange factor 1; minus strand). Cytogenetic location: 2p22.1.
Variant type: Deletion.
Coding change: c.511-6_511-5del on transcript NM_005633.4 (MANE Select); 6 bases into the intron before coding-DNA position 511 through 5 bases into the intron before coding-DNA position 511, 2 bases deleted (GT; older notation c.511-6_511-5delGT).
Molecular consequence: intron variant.
Genome position (GRCh38, 1-based): chr2:39,054,828-39,054,829, AC deleted on the plus strand (GT on the coding strand, the reverse complement: SOS1 is on the minus strand); deleting any 2 consecutive bases within chr2:39,054,828-39,054,830 gives the same sequence; the c. name uses the placement nearest the transcript's 3' end. VCF-style (leftmost placement, unchanged base first): chr2-39054827-TAC-T. GRCh37 (hg19) VCF-style: chr2-39281968-TAC-T.
Other names: c.490-6_490-5del (NM_001382394.1); c.511-6_511-5del (NM_001382395.1).
Identifiers: ClinVar variation 931188 (VCV000931188.4), dbSNP rs1671149258, ClinGen allele CA1139656876.